The following is an entry in ClinVar:

ClinVar aggregate classification (germline): Uncertain significance (1 of 4 stars; one submission).

Allele frequency attached by ClinVar (database versions not stated): gnomAD exomes below 0.00001 and 0.00001.
gnomAD v4.1: 7 of 1,613,148 alleles (0.00043%); highest among the groups gnomAD compares: East Asian, 0.0022%; no homozygotes.

Submission:

GeneDx
Classification: Uncertain significance. Last evaluated: 2019-07-08. Review status: criteria provided, single submitter. Criteria: GeneDx Variant Classification Process June 2021. Collection method: clinical testing. Allele origin: germline. Affected: yes.
Comment: In silico analysis, which includes protein predictors and evolutionary conservation, supports that this variant does not alter protein structure/function; Has not been previously published as pathogenic or benign to our knowledge

NM_001371623.1(TCOF1):c.1561G>A (p.Ala521Thr)

Gene: TCOF1 (treacle ribosome biogenesis factor 1; plus strand). Cytogenetic location: 5q32.
Variant type: single nucleotide variant.
Coding change: c.1561G>A on transcript NM_001371623.1 (MANE Select); coding-DNA position 1561, G replaced by A.
Protein change: p.Ala521Thr; replaces alanine 521 with threonine.
Molecular consequence: missense variant.
Genome position (GRCh38, 1-based): chr5:150,375,411, G>A. VCF-style: chr5-150375411-G-A. GRCh37 (hg19) VCF-style: chr5-149754974-G-A.
Other names: c.1330G>A, p.Ala444Thr (NM_000356.4, NM_001135245.2); c.1561G>A, p.Ala521Thr (NM_001008657.3, NM_001135243.2, NM_001135244.2 and 1 more transcripts); short protein forms A444T, A521T.
Identifiers: ClinVar variation 1306709 (VCV001306709.2), dbSNP rs1298957331, ClinGen allele CA361747213.